The following is an entry in ClinVar:

ClinVar aggregate classification (germline): Conflicting classifications of pathogenicity. Review status: criteria provided, conflicting classifications (1 of 4 stars). 4 submissions from 4 submitters: Uncertain significance (3); Likely benign (1). Last evaluated 2025-07-29.

Conditions:
Hereditary nonpolyposis colorectal neoplasms. Identifiers: MedGen C0009405, MeSH D003123.
Hereditary cancer-predisposing syndrome. Also called: Tumor predisposition; Hereditary Cancer Syndrome; Hereditary neoplastic syndrome; Neoplastic Syndromes, Hereditary. Identifiers: Orphanet 140162, MedGen C0027672, MeSH D009386, MONDO:0015356.
Endometrial carcinoma. Also called: Endometrial carcinoma, somatic. Identifiers: MedGen C0476089, MONDO:0002447, OMIM 608089, HP:0012114.

gnomAD v4.1: 2 of 1,613,972 alleles (0.00012%); highest among the groups gnomAD compares: Non-Finnish European, 0.00017%; no homozygotes.

Submissions (4):

Labcorp Genetics (formerly Invitae), Labcorp
Classification: Likely benign for Hereditary nonpolyposis colorectal neoplasms. Last evaluated: 2025-07-29. Review status: criteria provided, single submitter. Criteria: Invitae Variant Classification Sherloc (09022015). Collection method: clinical testing. Allele origin: germline.

Ambry Genetics
Classification: Uncertain significance for Hereditary cancer-predisposing syndrome. Last evaluated: 2024-07-03. Review status: criteria provided, single submitter. Criteria: Ambry Variant Classification Scheme 2023. Collection method: clinical testing. Allele origin: germline.
Comment: The p.T553A variant (also known as c.1657A>G), located in coding exon 4 of the MSH6 gene, results from an A to G substitution at nucleotide position 1657. The threonine at codon 553 is replaced by alanine, an amino acid with similar properties. This amino acid position is not well conserved in available vertebrate species. In addition, this alteration is predicted to be tolerated by in silico analysis. Since supporting evidence is limited at this time, the clinical significance of this alteration remains unclear.

Quest Diagnostics Nichols Institute San Juan Capistrano
Classification: Uncertain significance. Last evaluated: 2023-10-20. Review status: criteria provided, single submitter. Criteria: Quest Diagnostics criteria. Collection method: clinical testing. Allele origin: unknown.
Comment: The MSH6 c.1657A>G (p.Thr553Ala) variant has not been reported in individuals with MSH6-related conditions in the published literature. The frequency of this variant in the general population, 0.000008 (2/250910 chromosomes (Genome Aggregation Database)), is uninformative in the assessment of its pathogenicity. Analysis of this variant using bioinformatics tools for the prediction of the effect of amino acid changes on protein structure and function yielded predictions that this variant is benign. Based on the available information, we are unable to determine the clinical significance of this variant.

Baylor Genetics
Classification: Uncertain significance for Endometrial carcinoma. Last evaluated: 2023-07-27. Review status: criteria provided, single submitter. Criteria: ACMG Guidelines, 2015. Collection method: clinical testing. Allele origin: unknown.

NM_000179.3(MSH6):c.1657A>G (p.Thr553Ala)

Gene: MSH6 (mutS homolog 6; plus strand). Cytogenetic location: 2p16.3.
Variant type: single nucleotide variant.
Coding change: c.1657A>G on transcript NM_000179.3 (MANE Select); coding-DNA position 1657, A replaced by G.
Protein change: p.Thr553Ala; replaces threonine 553 with alanine.
Molecular consequence: missense variant.
Genome position (GRCh38, 1-based): chr2:47,799,640, A>G. VCF-style: chr2-47799640-A-G. GRCh37 (hg19) VCF-style: chr2-48026779-A-G.
Other names: c.1267A>G, p.Thr423Ala (NM_001281492.2); c.751A>G, p.Thr251Ala (NM_001281493.2, NM_001281494.2); short protein forms T553A, T423A, T251A.
Identifiers: ClinVar variation 485860 (VCV000485860.10), dbSNP rs1294509946, ClinGen allele CA346747309.